The following is an entry in ClinVar:

ClinVar aggregate classification (germline): Uncertain significance (1 of 4 stars; one submission).

Conditions:
Hereditary cancer-predisposing syndrome. Also called: Tumor predisposition; Hereditary neoplastic syndrome; Neoplastic Syndromes, Hereditary; Hereditary Cancer Syndrome. Identifiers: Orphanet 140162, MedGen C0027672, MeSH D009386, MONDO:0015356.

Submission:

Ambry Genetics
Classification: Uncertain significance for Hereditary cancer-predisposing syndrome. Last evaluated: 2025-05-31. Review status: criteria provided, single submitter. Criteria: Ambry Variant Classification Scheme 2023. Collection method: clinical testing. Allele origin: germline.
Comment: The p.F1582S variant (also known as c.4745T>C), located in coding exon 22 of the DICER1 gene, results from a T to C substitution at nucleotide position 4745. The phenylalanine at codon 1582 is replaced by serine, an amino acid with highly dissimilar properties. This amino acid position is conserved. In addition, this alteration is predicted to be deleterious by in silico analysis. Based on the available evidence, the clinical significance of this variant remains unclear.

NM_177438.3(DICER1):c.4745T>C (p.Phe1582Ser)

Gene: DICER1 (dicer 1, ribonuclease III; minus strand). Cytogenetic location: 14q32.13.
Variant type: single nucleotide variant.
Coding change: c.4745T>C on transcript NM_177438.3 (MANE Select); coding-DNA position 4745, T replaced by C.
Protein change: p.Phe1582Ser; replaces phenylalanine 1582 with serine.
Molecular consequence: missense variant. On other transcripts: non-coding transcript variant (6).
Genome position (GRCh38, 1-based): chr14:95,096,175, A>G on the plus strand (T>C on the coding strand, the complement: DICER1 is on the minus strand). VCF-style: chr14-95096175-A-G. GRCh37 (hg19) VCF-style: chr14-95562512-A-G.
Other names: c.4745T>C, p.Phe1582Ser (NM_001195573.1, NM_001271282.3, NM_001291628.2 and 12 more transcripts); c.4463T>C, p.Phe1488Ser (NM_001395686.1); c.4340T>C, p.Phe1447Ser (NM_001395687.1, NM_001395688.1, NM_001395689.1 and 2 more transcripts); c.4178T>C, p.Phe1393Ser (NM_001395691.1); c.3062T>C, p.Phe1021Ser (NM_001395697.1); short protein forms F1582S, F1447S, F1021S, F1393S, F1488S.
Identifiers: ClinVar variation 4011675 (VCV004011675.1).
Genomic context (GRCh38, chr14:95,096,175, plus strand): 5'-GCCTTTTCCCGATCAGTCCTTTTAATTACCGGGAGCACCTTCAGCCCCAGTGAACAGAGG[A>G]AAAGCTGAGCAGCCCTCTCCCCACAGCTGGTTAAATAGCAGCCCAGCAGGGCTTCCACAC-3'
Protein context (NP_803187.1, residues 1572-1592): TSCGERAAQL[Phe1582Ser]LCSLGLKVLP